The following is an entry in ClinVar:

NM_001130105.1(CERT1):c.37T>A (p.Phe13Ile)

Genes: CERT1 (ceramide transporter 1; minus strand), POLK (DNA polymerase kappa; plus strand), LOC129994075 (ATAC-STARR-seq lymphoblastoid active region 22681; plus strand). Cytogenetic location: 5q13.3.
Variant type: single nucleotide variant.
Coding change: c.37T>A on transcript NM_001130105.1; coding-DNA position 37, T replaced by A.
Protein change: p.Phe13Ile; replaces phenylalanine 13 with isoleucine.
Molecular consequence: missense variant.
Genome position (GRCh38, 1-based): chr5:75,511,808, A>T on the plus strand (T>A on the coding strand, the complement: CERT1 is on the minus strand). VCF-style: chr5-75511808-A-T. GRCh37 (hg19) VCF-style: chr5-74807633-A-T.
Other names: c.-120A>T (NM_016218.3); short protein forms F13I.
Identifiers: ClinVar variation 3343349 (VCV003343349.1).

ClinVar aggregate classification (germline): Uncertain significance (1 of 4 stars; one submission).

Submission:

GeneDx
Classification: Uncertain significance. Last evaluated: 2023-05-18. Review status: criteria provided, single submitter. Criteria: GeneDx Variant Classification Process June 2021. Collection method: clinical testing. Allele origin: germline. Affected: yes.
Comment: Not observed at significant frequency in large population cohorts (gnomAD); In silico analysis supports that this missense variant does not alter protein structure/function; Has not been previously published as pathogenic or benign to our knowledge